The following is an entry in ClinVar:

NM_001134831.2(AHI1):c.3467G>T (p.Gly1156Val)

Gene: AHI1 (Abelson helper integration site 1; minus strand). Cytogenetic location: 6q23.3.
Variant type: single nucleotide variant.
Coding change: c.3467G>T on transcript NM_001134831.2 (MANE Select); coding-DNA position 3467, G replaced by T.
Protein change: p.Gly1156Val; replaces glycine 1156 with valine.
Molecular consequence: missense variant.
Genome position (GRCh38, 1-based): chr6:135,300,518, C>A on the plus strand (G>T on the coding strand, the complement: AHI1 is on the minus strand). VCF-style: chr6-135300518-C-A. GRCh37 (hg19) VCF-style: chr6-135621656-C-A.
Other names: c.3467G>T, p.Gly1156Val (NM_001134830.2, NM_001350503.2, NM_001350504.2 and 1 more transcripts); c.3467G>T (NM_017651.4); short protein forms G1156V.
Identifiers: ClinVar variation 1934425 (VCV001934425.4), dbSNP rs1262204877, ClinGen allele CA365841246.
Genomic context (GRCh38, chr6:135,300,518, plus strand): 5'-CAACCATTTATCACTGCAAATTATTTTGAAGAAGTTGCTTACTGTGTCATAGATTCTGAG[C>A]CTAGTCTGAAGTCCTGGGACTTGTTCTTATTGATTGATTGCTGTGGAAGAAGAGGAAAAA-3'
Protein context (NP_001128303.1, residues 1146-1166): NKNKSQDFRL[Gly1156Val]SESMTHSEMR

ClinVar aggregate classification (germline): Uncertain significance. Review status: criteria provided, multiple submitters, no conflicts (2 of 4 stars). 3 submissions from 3 submitters: Uncertain significance (3). Last evaluated 2026-04-21.

Conditions:
Joubert syndrome 3 (JBTS3). Also called: AHI1-related Ciliopathy. Identifiers: Orphanet 220493, MedGen C1837713, MONDO:0012078, OMIM 608629.
Joubert syndrome. Also called: Familial aplasia of the vermis; JOUBERT-BOLTSHAUSER SYNDROME. Identifiers: Orphanet 475, MedGen C5979921, MONDO:0018772.

Allele frequency attached by ClinVar (database versions not stated): gnomAD 0.00001; TOPMed 0.00001.
gnomAD v4.1: 4 of 1,608,302 alleles (0.00025%); highest among the groups gnomAD compares: Admixed American, 0.005%; no homozygotes.

Submissions (3):

GeneDx
Classification: Uncertain significance. Last evaluated: 2026-04-21. Review status: criteria provided, single submitter. Criteria: GeneDx Variant Classification Process June 2021. Collection method: clinical testing. Allele origin: germline.
Comment: Not observed at significant frequency in large population cohorts (gnomAD); In silico analysis suggests that this missense variant does not alter protein structure/function; Has not been previously published as pathogenic or benign to our knowledge

Fulgent Genetics
Classification: Uncertain significance for Joubert syndrome 3. Last evaluated: 2024-06-04. Review status: criteria provided, single submitter. Criteria: ACMG Guidelines, 2015. Collection method: clinical testing. Allele origin: germline.

Labcorp Genetics (formerly Invitae), Labcorp
Classification: Uncertain significance for Joubert syndrome. Last evaluated: 2022-05-03. Review status: criteria provided, single submitter. Criteria: Invitae Variant Classification Sherloc (09022015). Collection method: clinical testing. Allele origin: germline.
Comment: This sequence change replaces glycine, which is neutral and non-polar, with valine, which is neutral and non-polar, at codon 1156 of the AHI1 protein (p.Gly1156Val). The frequency data for this variant in the population databases is considered unreliable, as metrics indicate poor data quality at this position in the gnomAD database. This variant has not been reported in the literature in individuals affected with AHI1-related conditions. Advanced modeling of protein sequence and biophysical properties (such as structural, functional, and spatial information, amino acid conservation, physicochemical variation, residue mobility, and thermodynamic stability) performed at Invitae indicates that this missense variant is not expected to disrupt AHI1 protein function. In summary, the available evidence is currently insufficient to determine the role of this variant in disease. Therefore, it has been classified as a Variant of Uncertain Significance.